The following is an entry in ClinVar:

ClinVar aggregate classification (germline): Pathogenic. Review status: criteria provided, single submitter (1 of 4 stars). 3 submissions from 3 submitters: Pathogenic (1). 2 of the submissions do not count toward it. Last evaluated 2024-04-26.

Conditions:
Neuromuscular disease. Also called: Neuromuscular disorder; Neuromyopathy. Identifiers: Orphanet 68381, MedGen C0027868, MeSH D009468, MONDO:0019056.
Skeletal dysplasia. Also called: Primary bone dysplasia. Identifiers: Orphanet 364526, MedGen C0410528, MONDO:0018230, HP:0002652.
Charcot-Marie-Tooth disease axonal type 2C (HMSN2C). Also called: Charcot-Marie-Tooth Disease Type 2, TRPV4-Related (CMT2C); CHARCOT-MARIE-TOOTH DISEASE, AXONAL, AUTOSOMAL DOMINANT, TYPE 2C; Charcot-Marie-Tooth Neuropathy Type 2C. Identifiers: Orphanet 99937, MedGen C1853710, MONDO:0011633, OMIM 606071.

Submissions (3):

Labcorp Genetics (formerly Invitae), Labcorp
Classification: Pathogenic for Charcot-Marie-Tooth disease axonal type 2C. Last evaluated: 2024-04-26. Review status: criteria provided, single submitter. Criteria: Invitae Variant Classification Sherloc (09022015). Collection method: clinical testing. Allele origin: germline.
Comment: This sequence change replaces serine, which is neutral and polar, with tyrosine, which is neutral and polar, at codon 542 of the TRPV4 protein (p.Ser542Tyr). This variant is not present in population databases (gnomAD no frequency). This missense change has been observed in individual(s) with clinical features of Charcot-Marie-Tooth disease and short stature (PMID: 21115951). It has also been observed to segregate with disease in related individuals. ClinVar contains an entry for this variant (Variation ID: 30469). Advanced modeling of protein sequence and biophysical properties (such as structural, functional, and spatial information, amino acid conservation, physicochemical variation, residue mobility, and thermodynamic stability) has been performed at Invitae for this missense variant, however the output from this modeling did not meet the statistical confidence thresholds required to predict the impact of this variant on TRPV4 protein function. For these reasons, this variant has been classified as Pathogenic.

OMIM
Classification: Pathogenic for HEREDITARY MOTOR AND SENSORY NEUROPATHY, TYPE IIC. Last evaluated: 2010-11-30. Review status: no assertion criteria provided. Collection method: literature only. Allele origin: germline. Not counted in ClinVar's aggregate classification.

GeneReviews
No classification provided. Condition: Neuromuscular disease; Skeletal dysplasia. Review status: no classification provided. Collection method: literature only. Allele origin: germline. Affected: yes. Not counted in ClinVar's aggregate classification.

Literature cited by the submitters: PubMed 21115951 (cited by Labcorp Genetics (formerly Invitae), Labcorp and OMIM); NCBI Bookshelf NBK201366 (cited by GeneReviews).

NM_021625.5(TRPV4):c.1625C>A (p.Ser542Tyr)

Gene: TRPV4 (transient receptor potential cation channel subfamily V member 4; minus strand). Cytogenetic location: 12q24.11.
Variant type: single nucleotide variant.
Coding change: c.1625C>A on transcript NM_021625.5 (MANE Select); coding-DNA position 1625, C replaced by A.
Protein change: p.Ser542Tyr; replaces serine 542 with tyrosine.
Molecular consequence: missense variant.
Genome position (GRCh38, 1-based): chr12:109,793,560, G>T on the plus strand (C>A on the coding strand, the complement: TRPV4 is on the minus strand). VCF-style: chr12-109793560-G-T. GRCh37 (hg19) VCF-style: chr12-110231365-G-T.
Other names: S542Y; c.1484C>A, p.Ser495Tyr (NM_001177428.2); c.1523C>A, p.Ser508Tyr (NM_001177431.2); c.1304C>A, p.Ser435Tyr (NM_001177433.2); c.1445C>A, p.Ser482Tyr (NM_147204.3); short protein forms S435Y, S482Y, S495Y, S508Y.
Identifiers: ClinVar variation 30469 (VCV000030469.12), dbSNP rs387906902, ClinGen allele CA259819.